The following is an entry in ClinVar:

NM_002435.3(MPI):c.713del (p.Leu238fs)

Gene: MPI (mannose phosphate isomerase; plus strand). Cytogenetic location: 15q24.1.
Variant type: Deletion.
Coding change: c.713del on transcript NM_002435.3 (MANE Select); coding-DNA position 713, one base deleted (T; older notation c.713delT).
Protein change: p.Leu238fs; shifts the reading frame from leucine 238.
Molecular consequence: frameshift variant.
Genome position (GRCh38, 1-based): chr15:74,896,194, T deleted; the last of 4 consecutive T bases (chr15:74,896,191-74,896,194); deleting any one gives the same sequence. VCF-style (leftmost placement, unchanged base first): chr15-74896190-CT-C. GRCh37 (hg19) VCF-style: chr15-75188531-CT-C.
Other names: c.713del, p.Leu238fs (NM_001289155.2); c.563del, p.Leu188fs (NM_001289156.2); c.530del, p.Leu177fs (NM_001289157.2); c.653del, p.Leu218fs (NM_001330372.2); c.713delT (NM_002435.2); short protein forms L177fs, L188fs, L218fs, L238fs.
Identifiers: ClinVar variation 1452353 (VCV001452353.9), dbSNP rs745432667, ClinGen allele CA7662528.

ClinVar aggregate classification (germline): Pathogenic/Likely pathogenic. Review status: criteria provided, multiple submitters, no conflicts (2 of 4 stars). 3 submissions from 3 submitters: Pathogenic (1); Likely pathogenic (2). Last evaluated 2025-12-19.

Conditions:
MPI-congenital disorder of glycosylation. Also called: MANNOSEPHOSPHATE ISOMERASE DEFICIENCY; MPI DEFICIENCY; PROTEIN-LOSING ENTEROPATHY-HEPATIC FIBROSIS SYNDROME; CDG Ib; MPI-CDG; CONGENITAL DISORDER OF GLYCOSYLATION, TYPE Ib. Identifiers: Orphanet 79319, MedGen C1865145, MONDO:0011257, OMIM 602579.

Submissions (3):

Natera, Inc.
Classification: Likely pathogenic for Congenital disorder of glycosylation type 1b. Last evaluated: 2025-12-19. Review status: criteria provided, single submitter. Criteria: Natera Variant Classification Schema (03/2026). Collection method: clinical testing. Allele origin: germline.
Comment: The c.713delT variant in MPI is a frameshift variant predicted to shift the reading frame beginning at codon 238 and leads to a stop codon 20 codons downstream. This variant is expected to result in nonsense mediated decay, truncation, or a dysfunctional protein product. This variant is rare in the general population with a frequency below the threshold expected for the associated phenotype(s). Given the available evidence, this variant is classified as Likely Pathogenic.

Baylor Genetics
Classification: Likely pathogenic for MPI-congenital disorder of glycosylation. Last evaluated: 2024-02-27. Review status: criteria provided, single submitter. Criteria: ACMG Guidelines, 2015. Collection method: clinical testing. Allele origin: unknown.

Labcorp Genetics (formerly Invitae), Labcorp
Classification: Pathogenic for MPI-congenital disorder of glycosylation. Last evaluated: 2023-02-09. Review status: criteria provided, single submitter. Criteria: Invitae Variant Classification Sherloc (09022015). Collection method: clinical testing. Allele origin: germline.
Comment: This variant is present in population databases (rs745432667, gnomAD 0.003%). This sequence change creates a premature translational stop signal (p.Leu238Cysfs*20) in the MPI gene. It is expected to result in an absent or disrupted protein product. Loss-of-function variants in MPI are known to be pathogenic (PMID: 19862844). This variant has not been reported in the literature in individuals affected with MPI-related conditions. ClinVar contains an entry for this variant (Variation ID: 1452353). For these reasons, this variant has been classified as Pathogenic.

Literature cited by the submitters: PubMed 19862844 (cited by Labcorp Genetics (formerly Invitae), Labcorp).